The following is an entry in ClinVar:

ClinVar aggregate classification (germline): Benign/Likely benign. Review status: criteria provided, multiple submitters, no conflicts (2 of 4 stars). 3 submissions from 3 submitters: Benign (1); Likely benign (2). Last evaluated 2026-06-10.

Conditions:
Kabuki syndrome. Also called: NIIKAWA-KUROKI SYNDROME; Kabuki make-up syndrome. Identifiers: Orphanet 2322, MedGen C0796004, MONDO:0016512.

Allele frequency attached by ClinVar (database versions not stated): ExAC 0.00001; gnomAD exomes 0.00001; gnomAD 0.00006; TOPMed 0.00015; 1000 Genomes Project 30x 0.00016; 1000 Genomes Project 0.00020.

Submissions (3):

Women's Health and Genetics/Laboratory Corporation of America, LabCorp
Classification: Likely benign. Last evaluated: 2026-06-10. Review status: criteria provided, single submitter. Criteria: LabCorp Variant Classification Summary - May 2015. Collection method: clinical testing. Allele origin: germline.
Comment: Variant summary: KMT2D c.13103C>A (p.Thr4368Asn) results in a non-conservative amino acid change in the encoded protein sequence. Algorithms developed to predict the effect of missense changes on protein structure and function are either unavailable or do not agree on the potential impact of this missense change. The variant allele was found at a frequency of 1.4e-05 in 219762 control chromosomes. A total of 22 heterozygotes of this variant were reported in the gnomAD v4 database. c.13103C>A has been observed in individual(s) affected with congenital heart diseases. These report(s) do not provide unequivocal conclusions about association of the variant with disease. To our knowledge, no experimental evidence demonstrating an impact on protein function has been reported. The following publication has been ascertained in the context of this evaluation (PMID: 40127276). ClinVar contains an entry for this variant (Variation ID: 1169636). Based on the evidence outlined above, the variant was classified as likely benign.

Labcorp Genetics (formerly Invitae), Labcorp
Classification: Benign for Kabuki syndrome. Last evaluated: 2025-10-30. Review status: criteria provided, single submitter. Criteria: Invitae Variant Classification Sherloc (09022015). Collection method: clinical testing. Allele origin: germline.

GeneDx
Classification: Likely benign. Last evaluated: 2020-11-11. Review status: criteria provided, single submitter. Criteria: GeneDx Variant Classification Process June 2021. Collection method: clinical testing. Allele origin: germline. Affected: yes.
Comment: In silico analysis, which includes protein predictors and evolutionary conservation, supports that this variant does not alter protein structure/function; Has not been previously published as pathogenic or benign to our knowledge

Literature cited by the submitters: PubMed 40127276 (cited by Women's Health and Genetics/Laboratory Corporation of America, LabCorp).

NM_003482.4(KMT2D):c.13103C>A (p.Thr4368Asn)

Gene: KMT2D (lysine methyltransferase 2D; minus strand). Cytogenetic location: 12q13.12.
Variant type: single nucleotide variant.
Coding change: c.13103C>A on transcript NM_003482.4 (MANE Select); coding-DNA position 13103, C replaced by A.
Protein change: p.Thr4368Asn; replaces threonine 4368 with asparagine.
Molecular consequence: missense variant.
Genome position (GRCh38, 1-based): chr12:49,031,602, G>T on the plus strand (C>A on the coding strand, the complement: KMT2D is on the minus strand). VCF-style: chr12-49031602-G-T. GRCh37 (hg19) VCF-style: chr12-49425385-G-T.
Other names: short protein forms T4368N.
Identifiers: ClinVar variation 1169636 (VCV001169636.13), dbSNP rs200789125, ClinGen allele CA6546072.